The following is an entry in ClinVar:

ClinVar aggregate classification (germline): Uncertain significance (1 of 4 stars; one submission).

gnomAD v4.1: 1 of 1,610,810 alleles (0.000062%); highest among the groups gnomAD compares: Non-Finnish European, 0.000085%; no homozygotes.

Submission:

Labcorp Genetics (formerly Invitae), Labcorp
Classification: Uncertain significance. Last evaluated: 2022-03-04. Review status: criteria provided, single submitter. Criteria: Invitae Variant Classification Sherloc (09022015). Collection method: clinical testing. Allele origin: germline.
Comment: This sequence change falls in intron 17 of the COL2A1 gene. It does not directly change the encoded amino acid sequence of the COL2A1 protein. This variant is not present in population databases (gnomAD no frequency). This variant has not been reported in the literature in individuals affected with COL2A1-related conditions. Algorithms developed to predict the effect of sequence changes on RNA splicing suggest that this variant may create or strengthen a splice site. In summary, the available evidence is currently insufficient to determine the role of this variant in disease. Therefore, it has been classified as a Variant of Uncertain Significance.

NM_001844.5(COL2A1):c.1069-16C>A

Gene: COL2A1 (collagen type II alpha 1 chain; minus strand). Cytogenetic location: 12q13.11.
Variant type: single nucleotide variant.
Coding change: c.1069-16C>A on transcript NM_001844.5 (MANE Select); 16 bases into the intron before coding-DNA position 1069, C replaced by A.
Molecular consequence: intron variant.
Genome position (GRCh38, 1-based): chr12:47,989,297, G>T on the plus strand (C>A on the coding strand, the complement: COL2A1 is on the minus strand). VCF-style: chr12-47989297-G-T. GRCh37 (hg19) VCF-style: chr12-48383080-G-T.
Other names: c.862-16C>A (NM_033150.3).
Identifiers: ClinVar variation 2092981 (VCV002092981.4), dbSNP rs760355253, ClinGen allele CA2580085543.